The following is an entry in ClinVar:

NM_004006.3(DMD):c.5510_5511dup (p.Ile1838fs)

Gene: DMD (dystrophin; minus strand). Cytogenetic location: Xp21.1.
Variant type: Duplication.
Coding change: c.5510_5511dup on transcript NM_004006.3 (MANE Select); coding-DNA positions 5510 to 5511, 2 bases duplicated (GA; older notation c.5510_5511dupGA).
Protein change: p.Ile1838fs; shifts the reading frame from isoleucine 1838.
Molecular consequence: frameshift variant.
Genome position (GRCh38, 1-based): chrX:32,346,018-32,346,019, TC duplicated on the plus strand (GA on the coding strand, the reverse complement: DMD is on the minus strand); duplicating any 2 consecutive bases within chrX:32,346,018-32,346,020 gives the same sequence; the c. name uses the placement nearest the transcript's 3' end. VCF-style (leftmost placement, unchanged base first): chrX-32346017-T-TTC. GRCh37 (hg19) VCF-style: chrX-32364134-T-TTC.
Other names: c.5486_5487dup, p.Ile1830fs (NM_000109.4); c.5498_5499dup, p.Ile1834fs (NM_004009.3); c.5141_5142dup, p.Ile1715fs (NM_004010.3); c.1487_1488dup, p.Ile497fs (NM_004011.4); c.1478_1479dup, p.Ile494fs (NM_004012.4); short protein forms I1715fs, I1830fs, I1834fs, I1838fs, I494fs, I497fs.
Identifiers: ClinVar variation 4880698 (VCV004880698.2).

ClinVar aggregate classification (germline): Likely pathogenic (1 of 4 stars; one submission).

Submission:

Dasa
Classification: Likely pathogenic. Last evaluated: 2025-04-20. Review status: criteria provided, single submitter. Criteria: DASA Assertion Criteria. Collection method: clinical testing. Allele origin: germline.
Comment: NM_004006.3(DMD):c.5510_5511dup (p.Ile1838Glufs*11) is a frameshift variant in DMD predicted to alter the reading frame and introduce a premature termination codon and is predicted to result in an absent or altered protein product. Loss of function is an established disease mechanism for DMD. Also, this variant is absent from population databases. Based on the currently available evidence, this variant is classified as likely pathogenic.